The following is an entry in ClinVar:

NM_000090.4(COL3A1):c.2982C>A (p.Pro994=)

Gene: COL3A1 (collagen type III alpha 1 chain; plus strand). Cytogenetic location: 2q32.2.
Variant type: single nucleotide variant.
Coding change: c.2982C>A on transcript NM_000090.4 (MANE Select); coding-DNA position 2982, C replaced by A.
Protein change: p.Pro994=; no amino-acid change (proline 994 retained).
Molecular consequence: synonymous variant.
Genome position (GRCh38, 1-based): chr2:189,005,400, C>A. VCF-style: chr2-189005400-C-A. GRCh37 (hg19) VCF-style: chr2-189870126-C-A.
Identifiers: ClinVar variation 3074910 (VCV003074910.1), dbSNP rs1172268924, ClinGen allele CA430312523.
Genomic context (GRCh38, chr2:189,005,400, plus strand): 5'-TTGTATACAGGGTGAAAGTGGGAAACCAGGAGCTAACGGTCTCAGTGGAGAACGTGGTCC[C>A]CCTGGACCCCAGGGTCTTCCTGGTCTGGCTGGTACAGCTGGTGAACCTGGAAGAGATGTG-3'
Protein context (NP_000081.2, residues 984-1004): GANGLSGERG[Pro994=]PGPQGLPGLA

ClinVar aggregate classification (germline): Likely benign (1 of 4 stars; one submission).

Conditions:
Ehlers-Danlos syndrome, type 4 (EDSVASC). Also called: Ehlers-Danlos Syndrome Type IV; Ehlers-Danlos syndrome vascular type; Ehlers Danlos syndrome, ecchymotic type; Ehlers Danlos syndrome, arterial type; Ehlers Danlos syndrome, Sack-Barabas type. Identifiers: Orphanet 286, MedGen C0268338, MONDO:0017314, OMIM 130050.

Submission:

All of Us Research Program, National Institutes of Health
Classification: Likely benign for Ehlers-Danlos syndrome, type 4. Last evaluated: 2023-12-13. Review status: criteria provided, single submitter. Criteria: ACMG Guidelines, 2015. Collection method: clinical testing. Allele origin: germline. Inheritance: Autosomal dominant inheritance. Observed: 1 variant allele, 1 heterozygote.
Comment: This study involves interpretation of variants in research participants for the purpose of population health screening. Participant phenotype was not available at the time of variant classification. Additional details can be found in publication PMID: 35346344, PMCID: PMC8962531